The following is an entry in ClinVar:

NM_052947.4(ALPK2):c.5540A>C (p.Gln1847Pro)

Gene: ALPK2 (alpha kinase 2; minus strand). Cytogenetic location: 18q21.31.
Variant type: single nucleotide variant.
Coding change: c.5540A>C on transcript NM_052947.4 (MANE Select); coding-DNA position 5540, A replaced by C.
Protein change: p.Gln1847Pro; replaces glutamine 1847 with proline.
Molecular consequence: missense variant.
Genome position (GRCh38, 1-based): chr18:58,524,024, T>G on the plus strand (A>C on the coding strand, the complement: ALPK2 is on the minus strand). VCF-style: chr18-58524024-T-G. GRCh37 (hg19) VCF-style: chr18-56191256-T-G.
Other names: short protein forms Q1847P.
Identifiers: ClinVar variation 1748197 (VCV001748197.2), dbSNP rs1373782949, ClinGen allele CA402551708.

ClinVar aggregate classification (germline): Uncertain significance (1 of 4 stars; one submission).

Allele frequency attached by ClinVar (database versions not stated): gnomAD exomes below 0.00001; TOPMed 0.00002.
gnomAD v4.1: 5 of 1,614,110 alleles (0.00031%); highest among the groups gnomAD compares: East Asian, 0.0045%; no homozygotes.

Submission:

Ambry Genetics
Classification: Uncertain significance. Last evaluated: 2024-01-31. Review status: criteria provided, single submitter. Criteria: Ambry Variant Classification Scheme 2023. Collection method: clinical testing. Allele origin: germline.
Comment: The p.Q1847P variant (also known as c.5540A>C), located in coding exon 6 of the ALPK2 gene, results from an A to C substitution at nucleotide position 5540. The glutamine at codon 1847 is replaced by proline, an amino acid with similar properties. This amino acid position is conserved. In addition, the in silico prediction for this alteration is inconclusive. Since supporting evidence is limited at this time, the clinical significance of this alteration remains unclear.